The following is an entry in ClinVar:

ClinVar aggregate classification (germline): Uncertain significance (1 of 4 stars; one submission).

Submission:

Labcorp Genetics (formerly Invitae), Labcorp
Classification: Uncertain significance. Last evaluated: 2021-03-22. Review status: criteria provided, single submitter. Criteria: Invitae Variant Classification Sherloc (09022015). Collection method: clinical testing. Allele origin: germline.
Comment: This sequence change replaces alanine with valine at codon 633 of the BCL11B protein (p.Ala633Val). The alanine residue is weakly conserved and there is a small physicochemical difference between alanine and valine. The frequency data for this variant in the population databases is considered unreliable, as metrics indicate insufficient coverage at this position in the ExAC database. This variant has not been reported in the literature in individuals with BCL11B-related conditions. Algorithms developed to predict the effect of missense changes on protein structure and function (SIFT, PolyPhen-2, Align-GVGD) all suggest that this variant is likely to be tolerated, but these predictions have not been confirmed by published functional studies and their clinical significance is uncertain. Algorithms developed to predict the effect of sequence changes on RNA splicing suggest that this variant may create or strengthen a splice site, but this prediction has not been confirmed by published transcriptional studies. In summary, the available evidence is currently insufficient to determine the role of this variant in disease. Therefore, it has been classified as a Variant of Uncertain Significance.

NM_138576.4(BCL11B):c.1898C>T (p.Ala633Val)

Gene: BCL11B (BCL11 transcription factor B; minus strand). Cytogenetic location: 14q32.2.
Variant type: single nucleotide variant.
Coding change: c.1898C>T on transcript NM_138576.4 (MANE Select); coding-DNA position 1898, C replaced by T.
Protein change: p.Ala633Val; replaces alanine 633 with valine.
Molecular consequence: missense variant.
Genome position (GRCh38, 1-based): chr14:99,174,938, G>A on the plus strand (C>T on the coding strand, the complement: BCL11B is on the minus strand). VCF-style: chr14-99174938-G-A. GRCh37 (hg19) VCF-style: chr14-99641275-G-A.
Other names: c.1895C>T, p.Ala632Val (NM_001282237.2); c.1682C>T, p.Ala561Val (NM_001282238.2); c.1685C>T, p.Ala562Val (NM_022898.3); short protein forms A632V, A561V, A562V, A633V.
Identifiers: ClinVar variation 1443484 (VCV001443484.8), dbSNP rs2139755911, ClinGen allele CA390934379.